The following is an entry in ClinVar:

NM_002439.5(MSH3):c.3239G>C (p.Gly1080Ala)

Gene: MSH3 (mutS homolog 3; plus strand). Cytogenetic location: 5q14.1.
Variant type: single nucleotide variant.
Coding change: c.3239G>C on transcript NM_002439.5 (MANE Select); coding-DNA position 3239, G replaced by C.
Protein change: p.Gly1080Ala; replaces glycine 1080 with alanine.
Molecular consequence: missense variant.
Genome position (GRCh38, 1-based): chr5:80,873,224, G>C. VCF-style: chr5-80873224-G-C. GRCh37 (hg19) VCF-style: chr5-80169043-G-C.
Other names: c.3239G>C (NM_002439.3); short protein forms G1080A.
Identifiers: ClinVar variation 2830392 (VCV002830392.4), dbSNP rs751078695, ClinGen allele CA360347006.

ClinVar aggregate classification (germline): Uncertain significance. Review status: criteria provided, multiple submitters, no conflicts (2 of 4 stars). 2 submissions from 2 submitters: Uncertain significance (2). Last evaluated 2025-06-21.

Conditions:
Hereditary cancer-predisposing syndrome. Also called: Neoplastic Syndromes, Hereditary; Tumor predisposition; Hereditary Cancer Syndrome; Hereditary neoplastic syndrome. Identifiers: Orphanet 140162, MedGen C0027672, MeSH D009386, MONDO:0015356.

Submissions (2):

Ambry Genetics
Classification: Uncertain significance for Hereditary cancer-predisposing syndrome. Last evaluated: 2025-06-21. Review status: criteria provided, single submitter. Criteria: Ambry Variant Classification Scheme 2023. Collection method: clinical testing. Allele origin: germline.
Comment: The p.G1080A variant (also known as c.3239G>C), located in coding exon 23 of the MSH3 gene, results from a G to C substitution at nucleotide position 3239. The glycine at codon 1080 is replaced by alanine, an amino acid with similar properties. This amino acid position is conserved. In addition, this alteration is predicted to be tolerated by in silico analysis. Based on the available evidence, the clinical significance of this variant remains unclear.

Labcorp Genetics (formerly Invitae), Labcorp
Classification: Uncertain significance. Last evaluated: 2023-12-05. Review status: criteria provided, single submitter. Criteria: Invitae Variant Classification Sherloc (09022015). Collection method: clinical testing. Allele origin: germline.
Comment: This sequence change replaces glycine, which is neutral and non-polar, with alanine, which is neutral and non-polar, at codon 1080 of the MSH3 protein (p.Gly1080Ala). This variant is not present in population databases (gnomAD no frequency). This variant has not been reported in the literature in individuals affected with MSH3-related conditions. An algorithm developed to predict the effect of missense changes on protein structure and function (PolyPhen-2) suggests that this variant is likely to be tolerated. In summary, the available evidence is currently insufficient to determine the role of this variant in disease. Therefore, it has been classified as a Variant of Uncertain Significance.